The following is an entry in ClinVar:

ClinVar aggregate classification (germline): Uncertain significance. Review status: criteria provided, multiple submitters, no conflicts (2 of 4 stars). 2 submissions from 2 submitters: Uncertain significance (2). Last evaluated 2025-03-21.

Conditions:
Inborn genetic diseases. Identifiers: MedGen C0950123, MeSH D030342.

Allele frequency attached by ClinVar (database versions not stated): gnomAD 0.00003.
gnomAD v4.1: 12 of 1,463,376 alleles (0.00082%); highest among the groups gnomAD compares: African/African-American, 0.017%; no homozygotes.

Submissions (2):

Ambry Genetics
Classification: Uncertain significance for Inborn genetic diseases. Last evaluated: 2025-03-21. Review status: criteria provided, single submitter. Criteria: Ambry Variant Classification Scheme 2023. Collection method: clinical testing. Allele origin: germline.

Labcorp Genetics (formerly Invitae), Labcorp
Classification: Uncertain significance. Last evaluated: 2022-09-07. Review status: criteria provided, single submitter. Criteria: Invitae Variant Classification Sherloc (09022015). Collection method: clinical testing. Allele origin: germline.
Comment: In summary, the available evidence is currently insufficient to determine the role of this variant in disease. Therefore, it has been classified as a Variant of Uncertain Significance. Algorithms developed to predict the effect of missense changes on protein structure and function (SIFT, PolyPhen-2, Align-GVGD) all suggest that this variant is likely to be tolerated. This variant has not been reported in the literature in individuals affected with NPR3-related conditions. This variant is present in population databases (no rsID available, gnomAD 0.02%). This sequence change replaces glycine, which is neutral and non-polar, with serine, which is neutral and polar, at codon 31 of the NPR3 protein (p.Gly31Ser).

NM_001204375.2(NPR3):c.91G>A (p.Gly31Ser)

Genes: NPR3 (natriuretic peptide receptor 3; plus strand), LOC123493284 (Sharpr-MPRA regulatory region 158; plus strand). Cytogenetic location: 5p13.3.
Variant type: single nucleotide variant.
Coding change: c.91G>A on transcript NM_001204375.2 (MANE Select); coding-DNA position 91, G replaced by A.
Protein change: p.Gly31Ser; replaces glycine 31 with serine.
Molecular consequence: missense variant. On other transcripts: intron variant (4).
Genome position (GRCh38, 1-based): chr5:32,711,867, G>A. VCF-style: chr5-32711867-G-A. GRCh37 (hg19) VCF-style: chr5-32711973-G-A.
Other names: c.91G>A, p.Gly31Ser (NM_000908.4); c.50-12831G>A (NM_001364458.2); c.121+1084G>A (NM_001363652.2, NM_001204376.2, NM_001364460.2); c.91G>A (NM_001204375.1); short protein forms G31S.
Identifiers: ClinVar variation 1934722 (VCV001934722.6), dbSNP rs999782749, ClinGen allele CA116849164.